The following is an entry in ClinVar:

NM_007294.4(BRCA1):c.4574_4575del (p.Gln1525fs)

Gene: BRCA1 (BRCA1 DNA repair associated; minus strand). Cytogenetic location: 17q21.31.
Variant type: Deletion.
Coding change: c.4574_4575del on transcript NM_007294.4 (MANE Select); coding-DNA positions 4574 to 4575, 2 bases deleted (AA; older notation c.4574_4575delAA).
Protein change: p.Gln1525fs; shifts the reading frame from glutamine 1525.
Molecular consequence: frameshift variant. On other transcripts: non-coding transcript variant (1).
Genome position (GRCh38, 1-based): chr17:43,074,431-43,074,432, TT deleted on the plus strand (AA on the coding strand, the reverse complement: BRCA1 is on the minus strand). VCF-style (leftmost placement, unchanged base first): chr17-43074430-CTT-C. GRCh37 (hg19) VCF-style: chr17-41226447-CTT-C.
Other names: 4693_4694delAA; 4693delAA; c.4490_4491delAA, p.Gln1497Argfs (NM_001407660.1, NM_001407661.1, NM_001407662.1 and 2 more transcripts); c.4451_4452delAA, p.Gln1484Argfs (NM_001407664.1, NM_001407665.1, NM_001407666.1 and 6 more transcripts); c.4448_4449delAA, p.Gln1483Argfs (NM_001407670.1, NM_001407671.1, NM_001407672.1 and 11 more transcripts); c.4445_4446delAA, p.Gln1482Argfs (NM_001407681.1, NM_001407682.1, NM_001407683.1 and 6 more transcripts); c.4574_4575delAA, p.Gln1525Argfs (NM_001407684.1, NM_001407854.1, NM_001407593.1 and 8 more transcripts); c.4442_4443delAA, p.Gln1481Argfs (NM_001407690.1, NM_001407691.1); and 73 more; short protein forms Q1546fs, Q1478fs, Q1525fs, Q421fs.
Identifiers: ClinVar variation 55229 (VCV000055229.40), dbSNP rs80357813, ClinGen allele CA002907.

ClinVar aggregate classification (germline): Pathogenic. Review status: reviewed by expert panel (3 of 4 stars). 19 submissions from 19 submitters: Pathogenic (1). 18 of the submissions do not count toward it. Last evaluated 2016-04-22.

Conditions:
BRCA1-related disorder. Also called: BRCA1-related condition.
Inherited breast cancer and ovarian cancer.
Hereditary cancer-predisposing syndrome. Also called: Neoplastic Syndromes, Hereditary; Hereditary neoplastic syndrome; Hereditary Cancer Syndrome; Tumor predisposition. Identifiers: Orphanet 140162, MedGen C0027672, MeSH D009386, MONDO:0015356.
Breast and/or ovarian cancer. Identifiers: MedGen CN221562.
Hereditary breast ovarian cancer syndrome. Also called: Hereditary breast and ovarian cancer; Hereditary breast and ovarian cancer syndrome (HBOC); Hereditary breast and/or ovarian cancer syndrome; Breast and ovarian cancer; Hereditary breast and ovarian cancer syndrome; BRCA1- and BRCA2-Associated Hereditary Breast and Ovarian Cancer. Identifiers: Orphanet 145, MedGen C0677776, MeSH D061325, MONDO:0003582. Disease mechanism: loss of function.
Breast-ovarian cancer, familial, susceptibility to, 1 (BROVCA1). Also called: BRCA1 Hereditary Breast and Ovarian Cancer; OVARIAN CANCER, SUSCEPTIBILITY TO. Identifiers: Orphanet 145, MedGen C2676676, MONDO:0011450, OMIM 604370. Disease mechanism: loss of function.

Allele frequency attached by ClinVar (database versions not stated): TOPMed below 0.00001; gnomAD exomes below 0.00001.

Submissions 1 to 8 of 19:

Evidence-based Network for the Interpretation of Germline Mutant Alleles (ENIGMA)
Classification: Pathogenic for Breast-ovarian cancer, familial, susceptibility to, 1. Last evaluated: 2016-04-22. Review status: reviewed by expert panel. Criteria: ENIGMA BRCA1/2 Classification Criteria (2015). Collection method: curation. Allele origin: germline.
Comment: Variant allele predicted to encode a truncated non-functional protein.

Genetics Laboratory, Great Ormond Street Hospital NHS Foundation Trust, North Thames Genomic Laboratory Hub
Classification: Pathogenic for Inherited breast cancer and ovarian cancer. Last evaluated: 2026-09-16. Review status: criteria provided, single submitter. Criteria: CanVIG BRCA Gene Specific V1.22. Collection method: clinical testing. Allele origin: germline. Affected: yes. Not counted in ClinVar's aggregate classification.
Comment: PS4_very-strong, PM2_supporting, PVS1_very-strong, PM5_strong

Labcorp Genetics (formerly Invitae), Labcorp
Classification: Pathogenic for Hereditary breast ovarian cancer syndrome. Last evaluated: 2025-12-30. Review status: criteria provided, single submitter. Criteria: Invitae Variant Classification Sherloc (09022015). Collection method: clinical testing. Allele origin: germline. Not counted in ClinVar's aggregate classification.
Comment: This sequence change creates a premature translational stop signal (p.Gln1525Argfs*5) in the BRCA1 gene. It is expected to result in an absent or disrupted protein product. Loss-of-function variants in BRCA1 are known to be pathogenic (PMID: 20104584). This variant is not present in population databases (gnomAD no frequency). This premature translational stop signal has been observed in individual(s) with breast and ovarian cancer (PMID: 9523200, 22333603, 24728189). This variant is also known as 4693delAA. ClinVar contains an entry for this variant (Variation ID: 55229). For these reasons, this variant has been classified as Pathogenic.

Ambry Genetics
Classification: Pathogenic for Hereditary cancer-predisposing syndrome. Last evaluated: 2025-03-17. Review status: criteria provided, single submitter. Criteria: Ambry Variant Classification Scheme 2023. Collection method: clinical testing. Allele origin: germline. Not counted in ClinVar's aggregate classification.
Comment: The c.4574_4575delAA pathogenic mutation, located in coding exon 13 of the BRCA1 gene, results from a deletion of two nucleotides at nucleotide positions 4574 to 4575, causing a translational frameshift with a predicted alternate stop codon (p.Q1525Rfs*5). This alteration has been reported in multiple individuals with personal and/or family history consistent with hereditary breast and ovarian cancer (HBOC) syndrome (Greenman J et al. Genes Chromosomes Cancer. 1998 Mar;21(3):244-9; Robertson L et al. Br. J. Cancer, 2012 Mar;106:1234-8; Song H et al. Hum. Mol. Genet., 2014 Sep;23:4703-9; Copson ER et al. Lancet Oncol, 2018 02;19:169-180; McVeigh TP et al. Eur. J. Cancer, 2018 May;95:20-29). This variant is considered to be rare based on population cohorts in the Genome Aggregation Database (gnomAD). In addition to the clinical data presented in the literature, this alteration is expected to result in loss of function by premature protein truncation or nonsense-mediated mRNA decay. As such, this alteration is interpreted as a disease-causing mutation.

GeneDx
Classification: Pathogenic. Last evaluated: 2024-02-04. Review status: criteria provided, single submitter. Criteria: GeneDx Variant Classification Process June 2021. Collection method: clinical testing. Allele origin: germline. Affected: yes. Not counted in ClinVar's aggregate classification.
Comment: Frameshift variant predicted to result in protein truncation or nonsense mediated decay in a gene for which loss of function is a known mechanism of disease; Not observed at significant frequency in large population cohorts (gnomAD); Truncating variants in this gene are considered pathogenic by a well-established clinical consortium and/or database; Also known as 4693_4694del; This variant is associated with the following publications: (PMID: 33087929, 20104584, 20127978, 34326862, 36169650, 34657373, 19553641, 29337092, 11183185, 9523200, 16267036, 19329713, 20700108, 22333603, 29614442, 34981296, 37736432, 33471991, 24728189)

Color Diagnostics, LLC DBA Color Health
Classification: Pathogenic for Hereditary cancer-predisposing syndrome. Last evaluated: 2023-10-04. Review status: criteria provided, single submitter. Criteria: ACMG Guidelines, 2015. Collection method: clinical testing. Allele origin: germline. Not counted in ClinVar's aggregate classification.
Comment: This variant deletes 2 nucleotides in exon 14 of the BRCA1 gene, creating a frameshift and premature translation stop signal. This variant is expected to result in an absent or non-functional protein product. This variant has been reported in individuals and families affected with breast and/or ovarian cancer (PMID: 11183185, 19329713, 19553641, 20127978, 22333603, 29337092). This variant has not been identified in the general population by the Genome Aggregation Database (gnomAD). Loss of BRCA1 function is a known mechanism of disease. Based on the available evidence, this variant is classified as Pathogenic.

Quest Diagnostics Nichols Institute San Juan Capistrano
Classification: Pathogenic. Last evaluated: 2022-10-13. Review status: criteria provided, single submitter. Criteria: Quest Diagnostics criteria. Collection method: clinical testing. Allele origin: unknown. Not counted in ClinVar's aggregate classification.
Comment: This frameshift variant alters the translational reading frame of the BRCA1 mRNA and causes the premature termination of BRCA1 protein synthesis. This variant has not been reported in large, multi-ethnic general populations. In the published literature, the variant has been reported in individuals with breast cancer (PMID: 9523200 (1998),11183185 (2000), 22333603 (2012), 33471991 (2021))) and in individuals with ovarian cancer (PMID: 24728189 (2014), 29614442 (2018)). Based on the available information, this variant is classified as pathogenic.

ARUP Laboratories, Molecular Genetics and Genomics, ARUP Laboratories
Classification: Pathogenic. Last evaluated: 2020-02-27. Review status: criteria provided, single submitter. Criteria: ARUP Molecular Germline Variant Investigation Process. Collection method: clinical testing. Allele origin: germline. Not counted in ClinVar's aggregate classification.
Comment: The BRCA1 c.4574_4575delAA; p.Gln1525ArgfsTer5 variant (rs80357813), also known as 4693delAA, is reported in the literature in individuals with breast or ovarian cancer (Ellis 2000, Greenman 1998, Morgan 2010, Robertson 2012, Song 2014) and is classified as pathogenic by an expert review panel in ClinVar (Variation ID: 55229). This variant is absent from general population databases (Exome Variant Server, Genome Aggregation Database), indicating it is not a common polymorphism. This variant causes a frameshift by deleting two nucleotides, so it is predicted to result in a truncated protein or mRNA subject to nonsense-mediated decay. Based on available information, this variant is considered to be pathogenic. REFERENCES Ellis D et al. Low prevalence of germline BRCA1 mutations in early onset breast cancer without a family history. J Med Genet. 2000 Oct;37(10):792-4. Greenman J et al. Identification of missense and truncating mutations in the BRCA1 gene in sporadic and familial breast and ovarian cancer. Genes Chromosomes Cancer. 1998 Mar;21(3):244-9. Morgan JE et al. Genetic diagnosis of familial breast cancer using clonal sequencing. Hum Mutat. 2010 Apr;31(4):484-91. Robertson L et al. BRCA1 testing should be offered to individuals with triple-negative breast cancer diagnosed below 50 years. Br J Cancer. 2012 Mar 13;106(6):1234-8. Song H et al. The contribution of deleterious germline mutations in BRCA1, BRCA2 and the mismatch repair genes to ovarian cancer in the population. Hum Mol Genet. 2014 Sep 1;23(17):4703-9.